The following is an entry in ClinVar:

ClinVar aggregate classification (germline): Uncertain significance (1 of 4 stars; one submission).

Conditions:
Familial adenomatous polyposis 1 (FAP1). Also called: FAMILIAL ADENOMATOUS POLYPOSIS 1, ATTENUATED; POLYPOSIS, ADENOMATOUS INTESTINAL. Identifiers: MedGen C2713442, MONDO:0021056, OMIM 175100. Disease mechanism: loss of function.

Allele frequency attached by ClinVar (database versions not stated): ExAC 0.00008; gnomAD exomes 0.00004.

Submission:

Labcorp Genetics (formerly Invitae), Labcorp
Classification: Uncertain significance for Familial adenomatous polyposis 1. Last evaluated: 2022-10-25. Review status: criteria provided, single submitter. Criteria: Invitae Variant Classification Sherloc (09022015). Collection method: clinical testing. Allele origin: germline.
Comment: This variant occurs in a non-coding region of the APC gene. It does not change the encoded amino acid sequence of the APC protein. This variant is present in population databases (rs771410311, gnomAD 0.03%). This variant has not been reported in the literature in individuals affected with APC-related conditions. Experimental studies and prediction algorithms are not available or were not evaluated, and the functional significance of this variant is currently unknown. In summary, the available evidence is currently insufficient to determine the role of this variant in disease. Therefore, it has been classified as a Variant of Uncertain Significance.

NM_001127511.3(APC):c.-3C>G

Gene: APC (APC regulator of Wnt signaling pathway; plus strand). Cytogenetic location: 5q22.2.
Variant type: single nucleotide variant.
Coding change: c.-3C>G on transcript NM_001127511.3; 3 bases upstream of the start codon, C replaced by G.
Molecular consequence: 5 prime UTR variant. On other transcripts: non-coding transcript variant (1), intron variant (5).
Genome position (GRCh38, 1-based): chr5:112,707,715, C>G. VCF-style: chr5-112707715-C-G. GRCh37 (hg19) VCF-style: chr5-112043412-C-G.
Other names: c.-186C>G (NM_001354895.2, NM_001407447.1, NM_001407452.1 and 3 more transcripts); c.-3C>G (NM_001354897.2, NM_001354902.2, NM_001407446.1); c.-1221C>G (NM_001407470.1, NM_001407472.1); c.-19+66C>G (NM_001407448.1, NM_001407450.1, NM_001407457.1 and 1 more transcripts); c.-43+66C>G (NM_001407453.1).
Identifiers: ClinVar variation 1053759 (VCV001053759.7), dbSNP rs771410311, ClinGen allele CA058200.
Genomic context (GRCh38, chr5:112,707,715, plus strand): 5'-GTTGTTGGCTGTTGGTGAGGAAGGTGAAGCACTCAGTTGCCTTCTCGGGCCTCGGCGCCC[C>G]CTATGTACGCCTCCCTGGGCTCGGGTCCGGTCGCCCCTTTGCCCGCTTCTGTACCACCCT-3'